The following is an entry in ClinVar:

ClinVar aggregate classification (germline): Conflicting classifications of pathogenicity. Review status: criteria provided, conflicting classifications (1 of 4 stars). 2 submissions from 2 submitters: Uncertain significance (1); Likely benign (1). Last evaluated 2024-02-08.

Conditions:
Microphthalmia with brain and digit anomalies (MCOPS6). Also called: MICROPHTHALMIA AND PITUITARY ANOMALIES; Microphthalmia, syndromic 6. Identifiers: Orphanet 139471, MedGen C1864689, MONDO:0011936, OMIM 607932.
Orofacial cleft 11 (OFC11). Also called: Orofacial cleft 11; ofc11; CLEFT LIP WITH OR WITHOUT CLEFT PALATE, NONSYNDROMIC, 11. Identifiers: MedGen C2677434, MONDO:0010906, OMIM 600625.

Allele frequency attached by ClinVar (database versions not stated): gnomAD 0.00002; gnomAD exomes 0.00002; TOPMed 0.00003.

Submissions (2):

Fulgent Genetics
Classification: Likely benign for Orofacial cleft 11; Microphthalmia with brain and digit anomalies. Last evaluated: 2024-02-08. Review status: criteria provided, single submitter. Criteria: ACMG Guidelines, 2015. Collection method: clinical testing. Allele origin: germline.

Labcorp Genetics (formerly Invitae), Labcorp
Classification: Uncertain significance for Microphthalmia with brain and digit anomalies; Orofacial cleft 11. Last evaluated: 2023-11-24. Review status: criteria provided, single submitter. Criteria: Invitae Variant Classification Sherloc (09022015). Collection method: clinical testing. Allele origin: germline.
Comment: This sequence change replaces serine, which is neutral and polar, with phenylalanine, which is neutral and non-polar, at codon 154 of the BMP4 protein (p.Ser154Phe). This variant is present in population databases (no rsID available, gnomAD 0.002%). This variant has not been reported in the literature in individuals affected with BMP4-related conditions. Advanced modeling of protein sequence and biophysical properties (such as structural, functional, and spatial information, amino acid conservation, physicochemical variation, residue mobility, and thermodynamic stability) performed at Invitae indicates that this missense variant is not expected to disrupt BMP4 protein function with a negative predictive value of 80%. In summary, the available evidence is currently insufficient to determine the role of this variant in disease. Therefore, it has been classified as a Variant of Uncertain Significance.

NM_001202.6(BMP4):c.461C>T (p.Ser154Phe)

Gene: BMP4 (bone morphogenetic protein 4; minus strand). Cytogenetic location: 14q22.2.
Variant type: single nucleotide variant.
Coding change: c.461C>T on transcript NM_001202.6 (MANE Select); coding-DNA position 461, C replaced by T.
Protein change: p.Ser154Phe; replaces serine 154 with phenylalanine.
Molecular consequence: missense variant.
Genome position (GRCh38, 1-based): chr14:53,950,798, G>A on the plus strand (C>T on the coding strand, the complement: BMP4 is on the minus strand). VCF-style: chr14-53950798-G-A. GRCh37 (hg19) VCF-style: chr14-54417516-G-A.
Other names: c.602C>T, p.Ser201Phe (NM_001347912.1); c.272C>T, p.Ser91Phe (NM_001347913.2, NM_001347915.2, NM_001347917.1); c.461C>T, p.Ser154Phe (NM_001347914.2, NM_001347916.1, NM_130850.5 and 1 more transcripts); short protein forms S154F, S201F, S91F.
Identifiers: ClinVar variation 2927135 (VCV002927135.4), dbSNP rs935421961, ClinGen allele CA261472679.